The following is an entry in ClinVar:

ClinVar aggregate classification (germline): Uncertain significance. Review status: criteria provided, multiple submitters, no conflicts (2 of 4 stars). 2 submissions from 2 submitters: Uncertain significance (2). Last evaluated 2025-08-01.

Conditions:
Inborn genetic diseases. Identifiers: MedGen C0950123, MeSH D030342.
Nephronophthisis. Also called: Juvenile Nephronophthisis. Identifiers: Orphanet 655, MedGen C0687120, MONDO:0019005, HP:0000090.

Allele frequency attached by ClinVar (database versions not stated): TOPMed below 0.00001.
gnomAD v4.1: 1 of 1,613,788 alleles (0.000062%); highest among the groups gnomAD compares: Non-Finnish European, 0.000085%; no homozygotes.

Submissions (2):

Ambry Genetics
Classification: Uncertain significance for Inborn genetic diseases. Last evaluated: 2025-08-01. Review status: criteria provided, single submitter. Criteria: Ambry Variant Classification Scheme 2023. Collection method: clinical testing. Allele origin: germline.

Labcorp Genetics (formerly Invitae), Labcorp
Classification: Uncertain significance for Nephronophthisis. Last evaluated: 2021-10-14. Review status: criteria provided, single submitter. Criteria: Invitae Variant Classification Sherloc (09022015). Collection method: clinical testing. Allele origin: germline.
Comment: This sequence change replaces threonine with alanine at codon 526 of the INVS protein (p.Thr526Ala). The threonine residue is highly conserved and there is a small physicochemical difference between threonine and alanine. This variant is not present in population databases (ExAC no frequency). This variant has not been reported in the literature in individuals affected with INVS-related conditions. Algorithms developed to predict the effect of missense changes on protein structure and function (SIFT, PolyPhen-2, Align-GVGD) all suggest that this variant is likely to be disruptive. In summary, the available evidence is currently insufficient to determine the role of this variant in disease. Therefore, it has been classified as a Variant of Uncertain Significance.

NM_014425.5(INVS):c.1576A>G (p.Thr526Ala)

Gene: INVS (inversin; plus strand). Cytogenetic location: 9q31.1.
Variant type: single nucleotide variant.
Coding change: c.1576A>G on transcript NM_014425.5 (MANE Select); coding-DNA position 1576, A replaced by G.
Protein change: p.Thr526Ala; replaces threonine 526 with alanine.
Molecular consequence: missense variant. On other transcripts: non-coding transcript variant (1).
Genome position (GRCh38, 1-based): chr9:100,272,868, A>G. VCF-style: chr9-100272868-A-G. GRCh37 (hg19) VCF-style: chr9-103035150-A-G.
Other names: c.1576A>G (NM_014425.2); c.1288A>G, p.Thr430Ala (NM_001318381.2); c.598A>G, p.Thr200Ala (NM_001318382.2); short protein forms T430A, T526A, T200A.
Identifiers: ClinVar variation 1435399 (VCV001435399.4), dbSNP rs1050540680, ClinGen allele CA196885118.
Genomic context (GRCh38, chr9:100,272,868, plus strand): 5'-GTGCCTTAAATTACATTCTAAAATTAAAAAAAAAAGAAATCTTCCTCCCACTTCAGATAC[A>G]CACCCCTTGATTATGCTTTGCTTGGTGAGCGCCATGAAGTGATCCAGTTCATGTTGGAGC-3'
Protein context (NP_055240.2, residues 516-536): NQMENNEERY[Thr526Ala]PLDYALLGER